The following is an entry in ClinVar:

ClinVar aggregate classification (germline): Conflicting classifications of pathogenicity. Review status: criteria provided, conflicting classifications (1 of 4 stars). 9 submissions from 9 submitters: Uncertain significance (7); Likely benign (2). Last evaluated 2026-01-20.

Conditions:
Hereditary cancer-predisposing syndrome. Also called: Tumor predisposition; Hereditary neoplastic syndrome; Hereditary Cancer Syndrome; Neoplastic Syndromes, Hereditary. Identifiers: Orphanet 140162, MedGen C0027672, MeSH D009386, MONDO:0015356.
DICER1-related tumor predisposition. Also called: DICER1 syndrome; DICER1-related pleuropulmonary blastoma cancer predisposition syndrome. Identifiers: Orphanet 284343, MedGen C3839822, MONDO:0100216.

Allele frequency attached by ClinVar (database versions not stated): ExAC 0.00005; gnomAD 0.00005; 1000 Genomes Project 30x 0.00016; 1000 Genomes Project 0.00020; gnomAD exomes 0.00002 and 0.00003; TOPMed 0.00004.
gnomAD v4.1: 33 of 1,613,286 alleles (0.002%); highest among the groups gnomAD compares: African/African-American, 0.0027%; no homozygotes.

Submissions (9):

Labcorp Genetics (formerly Invitae), Labcorp
Classification: Likely benign for DICER1-related tumor predisposition. Last evaluated: 2026-01-20. Review status: criteria provided, single submitter. Criteria: Invitae Variant Classification Sherloc (09022015). Collection method: clinical testing. Allele origin: germline.

Quest Diagnostics Nichols Institute San Juan Capistrano
Classification: Uncertain significance. Last evaluated: 2025-11-06. Review status: criteria provided, single submitter. Criteria: Quest Diagnostics criteria. Collection method: clinical testing. Allele origin: unknown.
Comment: The DICER1 c.1691C>T (p.Ala564Val) variant has not been reported in individuals with DICER1-related conditions in the published literature. The frequency of this variant in the general population (Genome Aggregation Database) is higher than would generally be expected for pathogenic variants in this gene. Analysis of this variant using bioinformatics tools for the prediction of the effect of amino acid changes on protein structure and function yielded conflicting predictions that this variant is deleterious or benign. Based on the available information, we are unable to determine the clinical significance of this variant.

Center for Genomic Medicine, Rigshospitalet, Copenhagen University Hospital
Classification: Uncertain significance. Last evaluated: 2025-03-04. Review status: criteria provided, single submitter. Criteria: ACMG Guidelines, 2015. Collection method: clinical testing. Allele origin: germline.

Hereditary Cancer Group, L’Institut d'Investigació Biomèdica de Bellvitge
Classification: Uncertain significance for Hereditary cancer-predisposing syndrome. Last evaluated: 2024-12-19. Review status: criteria provided, single submitter. Criteria: Hatton et al. (Hum Mutat. 2023). Collection method: clinical testing. Allele origin: germline. Inheritance: Autosomal dominant inheritance. Affected: yes.
Comment: BP4

Blueprint Genetics
Classification: Uncertain significance. Last evaluated: 2024-09-17. Review status: criteria provided, single submitter. Criteria: ACMG Guidelines, 2015. Collection method: clinical testing. Allele origin: germline.

Ambry Genetics
Classification: Uncertain significance for Hereditary cancer-predisposing syndrome. Last evaluated: 2024-08-19. Review status: criteria provided, single submitter. Criteria: Ambry Variant Classification Scheme 2023. Collection method: clinical testing. Allele origin: germline.
Comment: The p.A564V variant (also known as c.1691C>T), located in coding exon 9 of the DICER1 gene, results from a C to T substitution at nucleotide position 1691. The alanine at codon 564 is replaced by valine, an amino acid with similar properties. This amino acid position is highly conserved in available vertebrate species. In addition, the in silico prediction for this alteration is inconclusive. Based on the available evidence, the clinical significance of this variant remains unclear.

CeGaT Center for Human Genetics Tuebingen
Classification: Uncertain significance. Last evaluated: 2024-08-01. Review status: criteria provided, single submitter. Criteria: CeGaT Center For Human Genetics Tuebingen Variant Classification Criteria Version 2. Collection method: clinical testing. Allele origin: germline. Affected: yes. Observed: 1 variant allele.

GeneDx
Classification: Uncertain significance. Last evaluated: 2024-04-10. Review status: criteria provided, single submitter. Criteria: GeneDx Variant Classification Process June 2021. Collection method: clinical testing. Allele origin: germline.
Comment: In silico analysis indicates that this missense variant does not alter protein structure/function; Has not been previously published as pathogenic or benign to our knowledge

Illumina Laboratory Services, Illumina
Classification: Likely benign for Pleuropulmonary blastoma. Last evaluated: 2018-01-12. Review status: criteria provided, single submitter. Criteria: ICSL Variant Classification Criteria 13 December 2019. Collection method: clinical testing. Allele origin: germline.
Comment: This variant was observed in the ICSL laboratory as part of a predisposition screen in an ostensibly healthy population. It had not been previously curated by ICSL or reported in the Human Gene Mutation Database (HGMD: prior to June 1st, 2018), and was therefore a candidate for classification through an automated scoring system. Utilizing variant allele frequency, disease prevalence and penetrance estimates, and inheritance mode, an automated score was calculated to assess if this variant is too frequent to cause the disease. Based on the score and internal cut-off values, a variant classified as likely benign is not then subjected to further curation. The score for this variant resulted in a classification of likely benign for this disease.

Literature cited by the submitters: PubMed 29961079 (cited by Quest Diagnostics Nichols Institute San Juan Capistrano); PubMed 33630087 (cited by Quest Diagnostics Nichols Institute San Juan Capistrano); PubMed 33679883 (cited by Quest Diagnostics Nichols Institute San Juan Capistrano).

NM_177438.3(DICER1):c.1691C>T (p.Ala564Val)

Gene: DICER1 (dicer 1, ribonuclease III; minus strand). Cytogenetic location: 14q32.13.
Variant type: single nucleotide variant.
Coding change: c.1691C>T on transcript NM_177438.3 (MANE Select); coding-DNA position 1691, C replaced by T.
Protein change: p.Ala564Val; replaces alanine 564 with valine.
Molecular consequence: missense variant.
Genome position (GRCh38, 1-based): chr14:95,116,514, G>A on the plus strand (C>T on the coding strand, the complement: DICER1 is on the minus strand). VCF-style: chr14-95116514-G-A. GRCh37 (hg19) VCF-style: chr14-95582851-G-A.
Other names: c.1691C>T, p.Ala564Val (NM_001195573.1, NM_001271282.3, NM_001291628.2 and 1 more transcripts); short protein forms A564V.
Identifiers: ClinVar variation 412089 (VCV000412089.47), dbSNP rs201298288, ClinGen allele CA7331439.